The following is an entry in ClinVar:

ClinVar aggregate classification (germline): Uncertain significance. Review status: criteria provided, multiple submitters, no conflicts (2 of 4 stars). 5 submissions from 5 submitters: Uncertain significance (5). Last evaluated 2025-12-26.

Conditions:
TTN-related disorder. Also called: TTN-related disorders; TTN-related condition; TTN-related disease.
Autosomal recessive limb-girdle muscular dystrophy type 2J (LGMDR10). Also called: Limb-girdle muscular dystrophy, type 2J; MUSCULAR DYSTROPHY, LIMB-GIRDLE, AUTOSOMAL RECESSIVE 10. Identifiers: Orphanet 140922, MedGen C1837342, MONDO:0012127, OMIM 608807.
Dilated cardiomyopathy 1G (CMD1G). Identifiers: Orphanet 154, MedGen C1858763, MONDO:0011400, OMIM 604145.
Cardiomyopathy (CMYO). Also called: Cardiomyopathies. Identifiers: Orphanet 167848, MedGen C0878544, MONDO:0004994, HP:0001638. Inheritance: Various modes of inheritance.

Allele frequency attached by ClinVar (database versions not stated): ExAC 0.00003; gnomAD exomes 0.00003 and 0.00008; gnomAD 0.00004; TOPMed 0.00005.
gnomAD v4.1: 114 of 1,612,388 alleles (0.0071%); highest among the groups gnomAD compares: Non-Finnish European, 0.0086%; no homozygotes.

Submissions (5):

PreventionGenetics, part of Exact Sciences
Classification: Uncertain significance for TTN-related condition. Last evaluated: 2025-12-26. Review status: criteria provided, single submitter. Criteria: ACMG Guidelines, 2015. Collection method: clinical testing. Allele origin: germline.
Comment: The TTN c.102272G>A variant is predicted to result in the amino acid substitution p.Arg34091Gln. To our knowledge, this variant has not been reported in the literature. This variant is reported in 0.0085% of alleles in individuals of Latino descent in gnomAD. At this time, the clinical significance of this variant is uncertain due to the absence of conclusive functional and genetic evidence.

Revvity Omics, Revvity
Classification: Uncertain significance. Last evaluated: 2024-03-20. Review status: criteria provided, single submitter. Criteria: ACMG Guidelines, 2015. Collection method: clinical testing. Allele origin: germline.

Women's Health and Genetics/Laboratory Corporation of America, LabCorp
Classification: Uncertain significance. Last evaluated: 2022-08-01. Review status: criteria provided, single submitter. Criteria: LabCorp Variant Classification Summary - May 2015. Collection method: clinical testing. Allele origin: germline.
Comment: Variant summary: TTN c.94568G>A (p.Arg31523Gln) results in a conservative amino acid change located in the M-band domain of the encoded protein sequence. Three of four in-silico tools predict a benign effect of the variant on protein function. The variant allele was found at a frequency of 3.2e-05 in 247348 control chromosomes. The available data on variant occurrences in the general population are insufficient to allow any conclusion about variant significance. To our knowledge, no occurrence of c.94568G>A in individuals affected with Dilated Cardiomyopathy and no experimental evidence demonstrating its impact on protein function have been reported. Two clinical diagnostic laboratories have submitted clinical-significance assessments for this variant to ClinVar after 2014 without evidence for independent evaluation. All laboratories classified the variant as uncertain significance. Based on the evidence outlined above, the variant was classified as uncertain significance.

Labcorp Genetics (formerly Invitae), Labcorp
Classification: Uncertain significance for Dilated cardiomyopathy 1G; Autosomal recessive limb-girdle muscular dystrophy type 2J. Last evaluated: 2017-09-22. Review status: criteria provided, single submitter. Criteria: Invitae Variant Classification Sherloc (09022015). Collection method: clinical testing. Allele origin: germline.

CHEO Genetics Diagnostic Laboratory, Children's Hospital of Eastern Ontario
Classification: Uncertain significance for Cardiomyopathy. Last evaluated: 2017-09-13. Review status: criteria provided, single submitter. Criteria: ACMG Guidelines, 2015. Collection method: clinical testing. Allele origin: germline. Study: Canadian Open Genetics Repository.

NM_001267550.2(TTN):c.102272G>A (p.Arg34091Gln)

Genes: TTN (titin; minus strand), TTN-AS1 (TTN antisense RNA 1; plus strand). Cytogenetic location: 2q31.2.
Variant type: single nucleotide variant.
Coding change: c.102272G>A on transcript NM_001267550.2 (MANE Select); coding-DNA position 102272, G replaced by A.
Protein change: p.Arg34091Gln; replaces arginine 34091 with glutamine.
Molecular consequence: missense variant.
Genome position (GRCh38, 1-based): chr2:178,534,343, C>T on the plus strand (G>A on the coding strand, the complement: TTN is on the minus strand). VCF-style: chr2-178534343-C-T. GRCh37 (hg19) VCF-style: chr2-179399070-C-T.
Other names: c.97349G>A, p.Arg32450Gln (NM_001256850.1); c.75077G>A, p.Arg25026Gln (NM_003319.4); c.94568G>A, p.Arg31523Gln (NM_133378.4); c.75452G>A, p.Arg25151Gln (NM_133432.3); c.75653G>A, p.Arg25218Gln (NM_133437.4); short protein forms R34091Q, R32450Q, R25218Q, R25026Q, R31523Q, R25151Q.
Identifiers: ClinVar variation 404679 (VCV000404679.10), dbSNP rs763708375, ClinGen allele CA1985778.